The following is an entry in ClinVar:

ClinVar aggregate classification (germline): Uncertain significance (1 of 4 stars; one submission).

Conditions:
Progressive sclerosing poliodystrophy (MTDPS4A). Also called: ALPERS PROGRESSIVE INFANTILE POLIODYSTROPHY; NEURONAL DEGENERATION OF CHILDHOOD WITH LIVER DISEASE, PROGRESSIVE; Mitochondrial DNA depletion syndrome 4A (Alpers type); Alpers Syndrome; ALPERS DIFFUSE DEGENERATION OF CEREBRAL GRAY MATTER WITH HEPATIC CIRRHOSIS; Alpers-Huttenlocher Syndrome. Identifiers: Orphanet 726, MedGen C0205710, MONDO:0008758, OMIM 203700.

Submission:

Labcorp Genetics (formerly Invitae), Labcorp
Classification: Uncertain significance for Progressive sclerosing poliodystrophy. Last evaluated: 2023-03-07. Review status: criteria provided, single submitter. Criteria: Invitae Variant Classification Sherloc (09022015). Collection method: clinical testing. Allele origin: germline.
Comment: In summary, the available evidence is currently insufficient to determine the role of this variant in disease. Therefore, it has been classified as a Variant of Uncertain Significance. Experimental studies and prediction algorithms are not available or were not evaluated, and the functional significance of this variant is currently unknown. This variant has not been reported in the literature in individuals affected with POLG-related conditions. This variant is not present in population databases (gnomAD no frequency). This variant, c.164_166del, results in the deletion of 1 amino acid(s) of the POLG protein (p.Gln55del), but otherwise preserves the integrity of the reading frame.

NM_002693.3(POLG):c.161AGC[1] (p.Gln55del)

Genes: POLG (DNA polymerase gamma, catalytic subunit; minus strand), POLGARF (POLG alternative reading frame; minus strand). Cytogenetic location: 15q26.1.
Variant type: Microsatellite.
Coding change: c.161AGC[1] on transcript NM_002693.3 (MANE Select); one copy of the 3-base unit AGC starting at c.161; the reference has two copies in a row; one copy, 3 bases deleted.
Protein change: p.Gln55del; deletes glutamine 55.
Molecular consequence: inframe deletion.
Genome position (GRCh38, 1-based): chr15:89,333,589-89,333,591, GCT deleted on the plus strand (AGC on the coding strand, the reverse complement: POLG is on the minus strand); deleting any 3 consecutive bases within chr15:89,333,589-89,333,595 gives the same sequence; the position shown is the placement nearest the transcript's 3' end. VCF-style (leftmost placement, unchanged base first): chr15-89333588-GGCT-G. GRCh37 (hg19) VCF-style: chr15-89876819-GGCT-G.
Other names: c.161AGC[1], p.Gln55del (NM_001126131.2); short protein forms Q55del.
Identifiers: ClinVar variation 2907084 (VCV002907084.3), dbSNP rs751908240, ClinGen allele CA7725175.
Genomic context (GRCh38, chr15:89,333,588, plus strand): 5'-ATGTCCAATGGGTTGTGCCGCAGCTGCCCGCCCTCCGAGGATAGCACTTGCGGCTGCTGA[GGCT>G]GCTGTTGCTGCTGCTGCTGCTGCTGCTGCTGCTGCTGCCGCCGCCGCTGCCCGTCGCTGG-3'